The following is an entry in ClinVar:

NM_006648.4(WNK2):c.1082C>T (p.Pro361Leu)

Gene: WNK2 (WNK lysine deficient protein kinase 2; plus strand). Cytogenetic location: 9q22.31.
Variant type: single nucleotide variant.
Coding change: c.1082C>T on transcript NM_006648.4 (MANE Select); coding-DNA position 1082, C replaced by T.
Protein change: p.Pro361Leu; replaces proline 361 with leucine.
Molecular consequence: missense variant.
Genome position (GRCh38, 1-based): chr9:93,234,814, C>T. VCF-style: chr9-93234814-C-T. GRCh37 (hg19) VCF-style: chr9-95997096-C-T.
Other names: c.1082C>T, p.Pro361Leu (NM_001282394.3); short protein forms P361L.
Identifiers: ClinVar variation 3981793 (VCV003981793.1).

ClinVar aggregate classification (germline): Uncertain significance (1 of 4 stars; one submission).

Submission:

Ambry Genetics
Classification: Uncertain significance. Last evaluated: 2025-04-03. Review status: criteria provided, single submitter. Criteria: Ambry Variant Classification Scheme 2023. Collection method: clinical testing. Allele origin: germline.
Comment: The p.P361L variant (also known as c.1082C>T), located in coding exon 4 of the WNK2 gene, results from a C to T substitution at nucleotide position 1082. The proline at codon 361 is replaced by leucine, an amino acid with similar properties. This amino acid position is conserved. In addition, the in silico prediction for this alteration is inconclusive. Based on the available evidence, the clinical significance of this variant remains unclear.